The following is an entry in ClinVar:

ClinVar aggregate classification (germline): Pathogenic (1 of 4 stars; one submission).

Conditions:
Primary ciliary dyskinesia 22. Also called: CILIARY DYSKINESIA, PRIMARY, 22, WITH OR WITHOUT SITUS INVERSUS. Identifiers: Orphanet 244, MedGen C3809543, MONDO:0014192, OMIM 615444.

Submission:

The Research Institute of Tuberculosis, Japan Anti-Tuberculosis Association
Classification: Pathogenic for Primary ciliary dyskinesia 22. Last evaluated: 2026-08-11. Review status: criteria provided, single submitter. Criteria: ACMG Guidelines, 2015. Collection method: research. Allele origin: germline. Inheritance: Autosomal recessive inheritance. Affected: yes.
Comment: Classification determined through our internal review, with support from Franklin (Genoox) summaries integrated into the overall assessment. ACMG/AMP guidelines were applied for SNV/indel interpretation. Final classification: Pathogenic. This variant is a null variant (FRAMESHIFT) in a gene where loss of function is an established mechanism of disease, supporting PVS1. This variant is absent or present at extremely low frequency (%) in population databases (gnomAD: exome 0.00014; genome 0.00066), supporting PM2. Evidence (ACMG/AMP codes): PVS1, PM2, PP4. Bronchiectasis was observed in the right middle lobe and lingula. Nasal nitric oxide was markedly reduced (13 nL/min). These findings were highly consistent with primary ciliary dyskinesia, supporting PP4.

NM_015896.4(ZMYND10):c.934_935del (p.Ser312fs)

Gene: ZMYND10 (zinc finger MYND-type containing 10; minus strand). Cytogenetic location: 3p21.31.
Variant type: Microsatellite.
Coding change: c.934_935del on transcript NM_015896.4 (MANE Select); coding-DNA positions 934 to 935, 2 bases deleted (AG; older notation c.934_935delAG).
Protein change: p.Ser312fs; shifts the reading frame from serine 312.
Molecular consequence: frameshift variant.
Genome position (GRCh38, 1-based): chr3:50,342,079-50,342,080, CT deleted on the plus strand (AG on the coding strand, the reverse complement: ZMYND10 is on the minus strand); deleting any 2 consecutive bases within chr3:50,342,079-50,342,082 gives the same sequence; the c. name uses the placement nearest the transcript's 3' end. VCF-style (leftmost placement, unchanged base first): chr3-50342078-ACT-A. GRCh37 (hg19) VCF-style: chr3-50379509-ACT-A.
Other names: c.919_920del, p.Ser307fs (NM_001308379.2); short protein forms S307fs, S312fs.
Identifiers: ClinVar variation 4890795 (VCV004890795.1).
Genomic context (GRCh38, chr3:50,342,078, plus strand): 5'-TTCCAACACCAGGTCCTTCTTAGGAGGCTGGGTTTCAGTTAGGGTCAGATGGGCCAGGAA[ACT>A]CTGCAAGTGGGCCAGGTTGGGCAGCTGGTCCAGCAGTGTGTCTGTGAGGAAGGCCCGAAG-3'